The following is an entry in ClinVar:

NM_004999.4(MYO6):c.*3039A>G

Gene: MYO6 (myosin VI; plus strand). Cytogenetic location: 6q14.1.
Variant type: single nucleotide variant.
Coding change: c.*3039A>G on transcript NM_004999.4 (MANE Select); 3039 bases downstream of the stop codon, A replaced by G.
Molecular consequence: 3 prime UTR variant. On other transcripts: non-coding transcript variant (1).
Genome position (GRCh38, 1-based): chr6:75,918,051, A>G. VCF-style: chr6-75918051-A-G. GRCh37 (hg19) VCF-style: chr6-76627768-A-G.
Other names: c.*3039A>G (NM_001300899.2, NM_001368136.1, NM_001368137.1 and 3 more transcripts).
Identifiers: ClinVar variation 910893 (VCV000910893.4), dbSNP rs540365866, ClinGen allele CA141063089.

ClinVar aggregate classification (germline): Conflicting classifications of pathogenicity. Review status: criteria provided, conflicting classifications (1 of 4 stars). 2 submissions from 1 submitter: Uncertain significance (1); Likely benign (1). Last evaluated 2018-01-13.

Conditions:
Autosomal recessive nonsyndromic hearing loss 37. Identifiers: Orphanet 90636, MedGen C1843028, MONDO:0011912, OMIM 607821.
Autosomal dominant nonsyndromic hearing loss 22. Also called: DFNA 22; Autosomal dominant nonsyndromic deafness 22. Identifiers: Orphanet 228012, MedGen C2931767, MONDO:0011660, OMIM 606346.

Allele frequency attached by ClinVar (database versions not stated): gnomAD below 0.00001 and 0.00019; TOPMed 0.00003; 1000 Genomes Project 30x 0.00141; 1000 Genomes Project 0.00180.

Submissions (2):

Illumina Laboratory Services, Illumina
Classification: Uncertain significance for Autosomal recessive nonsyndromic hearing loss 37. Last evaluated: 2018-01-13. Review status: criteria provided, single submitter. Criteria: ICSL Variant Classification Criteria 13 December 2019. Collection method: clinical testing. Allele origin: germline.

Illumina Laboratory Services, Illumina
Classification: Likely benign for Autosomal dominant nonsyndromic hearing loss 22. Last evaluated: 2018-01-13. Review status: criteria provided, single submitter. Criteria: ICSL Variant Classification Criteria 13 December 2019. Collection method: clinical testing. Allele origin: germline.
Comment: This variant was observed in the ICSL laboratory as part of a predisposition screen in an ostensibly healthy population. It had not been previously curated by ICSL or reported in the Human Gene Mutation Database (HGMD: prior to June 1st, 2018), and was therefore a candidate for classification through an automated scoring system. Utilizing variant allele frequency, disease prevalence and penetrance estimates, and inheritance mode, an automated score was calculated to assess if this variant is too frequent to cause the disease. Based on the score and internal cut-off values, a variant classified as likely benign is not then subjected to further curation. The score for this variant resulted in a classification of likely benign for this disease.